The following is an entry in ClinVar:

ClinVar aggregate classification (germline): Likely pathogenic (1 of 4 stars; one submission).

Conditions:
Ataxia-telangiectasia syndrome (AT). Also called: AT, COMPLEMENTATION GROUP C; Cerebello-oculocutaneous telangiectasia; Immunodeficiency with ataxia telangiectasia; Ataxia-telangiectasia, complementation group D; Ataxia-telangiectasia; LOUIS-BAR SYNDROME. Identifiers: Orphanet 100, MedGen C0004135, MONDO:0008840, OMIM 208900.

Submission:

Neuberg Centre For Genomic Medicine, NCGM
Classification: Likely pathogenic for Ataxia-telangiectasia syndrome. Last evaluated: 2023-07-22. Review status: criteria provided, single submitter. Criteria: ACMG Guidelines, 2015. Collection method: clinical testing. Allele origin: germline. Inheritance: Autosomal recessive inheritance. Affected: yes.
Comment: The observed frameshift c.1943_1944insGp.Glu649ArgfsTer10 variant in ATM gene has not been reported previously as a pathogenic variant nor as a benign variant, to our knowledge. This variant is absent in gnomAD Exomes. This variant causes a frameshift starting with codon Glutamic Acid 649, changes this amino acid to Arginine residue, and creates a premature Stop codon at position 10 of the new reading frame, denoted p.Glu649ArgfsTer10. This variant is predicted to cause loss of normal protein function through protein truncation. Loss of function variants have been previously reported to be disease causing. For these reasons, this variant has been classified as Likely Pathogenic.

NM_000051.4(ATM):c.1943_1944insG (p.Glu649fs)

Gene: ATM (ATM serine/threonine kinase; plus strand). Cytogenetic location: 11q22.3.
Variant type: Insertion.
Coding change: c.1943_1944insG on transcript NM_000051.4 (MANE Select); coding-DNA positions 1943 to 1944, G inserted.
Protein change: p.Glu649fs; shifts the reading frame from glutamic acid 649.
Molecular consequence: frameshift variant.
Genome position: GRCh38 VCF-style: chr11-108253858-T-TG. GRCh37 (hg19) VCF-style: chr11-108124585-T-TG.
Other names: c.1943_1944insG, p.Glu649fs (NM_001351834.2); short protein forms E649fs.
Identifiers: ClinVar variation 3391203 (VCV003391203.1).